The following is an entry in ClinVar:

NM_022458.4(LMBR1):c.147AGA[1] (p.Glu50del)

Gene: LMBR1 (limb development membrane protein 1; minus strand). Cytogenetic location: 7q36.3.
Variant type: Microsatellite.
Coding change: c.147AGA[1] on transcript NM_022458.4 (MANE Select); one copy of the 3-base unit AGA starting at c.147; the reference has two copies in a row; one copy, 3 bases deleted.
Protein change: p.Glu50del; deletes glutamic acid 50.
Molecular consequence: inframe deletion. On other transcripts: 5 prime UTR variant (6), non-coding transcript variant (2).
Genome position (GRCh38, 1-based): chr7:156,833,780-156,833,782, TCT deleted on the plus strand (AGA on the coding strand, the reverse complement: LMBR1 is on the minus strand); deleting any 3 consecutive bases within chr7:156,833,780-156,833,786 gives the same sequence; the position shown is the placement nearest the transcript's 3' end. VCF-style (leftmost placement, unchanged base first): chr7-156833779-ATCT-A. GRCh37 (hg19) VCF-style: chr7-156626473-ATCT-A.
Other names: c.147AGA[1], p.Glu50del (NM_001350953.2, NM_001363410.2, NM_001363409.2); c.8AGA[1], p.Lys4del (NM_001350954.2); c.-388AGA[1] (NM_001350955.2, NM_001350956.2, NM_001350958.2 and 1 more transcripts); c.-223AGA[1] (NM_001350957.2, NM_001363411.2); c.84AGA[1], p.Glu29del (NM_001363412.2); short protein forms E50del, E29del, K4del.
Identifiers: ClinVar variation 1489664 (VCV001489664.6), dbSNP rs764034290, ClinGen allele CA4588204.

ClinVar aggregate classification (germline): Uncertain significance (1 of 4 stars; one submission).

Submission:

Labcorp Genetics (formerly Invitae), Labcorp
Classification: Uncertain significance. Last evaluated: 2022-06-13. Review status: criteria provided, single submitter. Criteria: Invitae Variant Classification Sherloc (09022015). Collection method: clinical testing. Allele origin: germline.
Comment: In summary, the available evidence is currently insufficient to determine the role of this variant in disease. Therefore, it has been classified as a Variant of Uncertain Significance. Experimental studies and prediction algorithms are not available or were not evaluated, and the functional significance of this variant is currently unknown. This variant has not been reported in the literature in individuals affected with LMBR1-related conditions. This variant is present in population databases (rs764034290, gnomAD 0.007%). This variant, c.150_152del, results in the deletion of 1 amino acid(s) of the LMBR1 protein (p.Glu50del), but otherwise preserves the integrity of the reading frame.